The following is an entry in ClinVar:

NM_032119.4(ADGRV1):c.11390C>T (p.Thr3797Ile)

Gene: ADGRV1 (adhesion G protein-coupled receptor V1; plus strand). Cytogenetic location: 5q14.3.
Variant type: single nucleotide variant.
Coding change: c.11390C>T on transcript NM_032119.4 (MANE Select); coding-DNA position 11390, C replaced by T.
Protein change: p.Thr3797Ile; replaces threonine 3797 with isoleucine.
Molecular consequence: missense variant. On other transcripts: non-coding transcript variant (1).
Genome position (GRCh38, 1-based): chr5:90,754,995, C>T. VCF-style: chr5-90754995-C-T. GRCh37 (hg19) VCF-style: chr5-90050812-C-T.
Other names: short protein forms T3797I.
Identifiers: ClinVar variation 907454 (VCV000907454.17), dbSNP rs375025827, ClinGen allele CA3340968.

ClinVar aggregate classification (germline): Conflicting classifications of pathogenicity. Review status: criteria provided, conflicting classifications (1 of 4 stars). 4 submissions from 4 submitters: Uncertain significance (3); Likely benign (1). Last evaluated 2026-03-27.

Conditions:
Usher syndrome type 2C. Also called: USHER SYNDROME, TYPE IIC; Usher syndrome, type 2B. Identifiers: Orphanet 231178, Orphanet 886, MedGen C2931213, MONDO:0011558, OMIM 605472.
ADGRV1-related disorder. Also called: ADGRV1-related disorders; ADGRV1-related condition.

Allele frequency attached by ClinVar (database versions not stated): gnomAD 0.00001; ExAC 0.00002; gnomAD exomes 0.00002 and 0.00005; TOPMed 0.00002; ESP Exome Variant Server 0.00008.
gnomAD v4.1: 75 of 1,611,756 alleles (0.0047%); highest among the groups gnomAD compares: Non-Finnish European, 0.0064%; no homozygotes.

Submissions (4):

PreventionGenetics, part of Exact Sciences
Classification: Uncertain significance for ADGRV1-related condition. Last evaluated: 2026-03-27. Review status: criteria provided, single submitter. Criteria: ACMG Guidelines, 2015. Collection method: clinical testing. Allele origin: germline.
Comment: The ADGRV1 c.11390C>T variant is predicted to result in the amino acid substitution p.Thr3797Ile. To our knowledge, this variant has not been reported in the literature. This variant is present in 0.0044% of alleles in individuals of European (Non-Finnish) descent in gnomAD. At this time, the clinical significance of this variant is uncertain due to the absence of conclusive functional and genetic evidence.

Labcorp Genetics (formerly Invitae), Labcorp
Classification: Likely benign. Last evaluated: 2025-12-15. Review status: criteria provided, single submitter. Criteria: Invitae Variant Classification Sherloc (09022015). Collection method: clinical testing. Allele origin: germline.

GeneDx
Classification: Uncertain significance. Last evaluated: 2025-08-19. Review status: criteria provided, single submitter. Criteria: GeneDx Variant Classification Process June 2021. Collection method: clinical testing. Allele origin: germline. Affected: yes.
Comment: Not observed at significant frequency in large population cohorts (gnomAD); In silico analysis suggests that this missense variant does not alter protein structure/function; Has not been previously published as pathogenic or benign to our knowledge

Illumina Laboratory Services, Illumina
Classification: Uncertain significance for Usher syndrome type 2C. Last evaluated: 2018-01-13. Review status: criteria provided, single submitter. Criteria: ICSL Variant Classification Criteria 13 December 2019. Collection method: clinical testing. Allele origin: germline.